The following is an entry in ClinVar:

NM_000038.6(APC):c.5067C>T (p.Thr1689=)

Gene: APC (APC regulator of Wnt signaling pathway; plus strand). Cytogenetic location: 5q22.2.
Variant type: single nucleotide variant.
Coding change: c.5067C>T on transcript NM_000038.6 (MANE Select); coding-DNA position 5067, C replaced by T.
Protein change: p.Thr1689=; no amino-acid change (threonine 1689 retained).
Molecular consequence: synonymous variant.
Genome position (GRCh38, 1-based): chr5:112,840,661, C>T. VCF-style: chr5-112840661-C-T. GRCh37 (hg19) VCF-style: chr5-112176358-C-T.
Other names: c.5067C>T, p.Thr1689= (NM_001127510.3, NM_001354895.2); c.5013C>T, p.Thr1671= (NM_001127511.3); c.5121C>T, p.Thr1707= (NM_001354896.2); c.5097C>T, p.Thr1699= (NM_001354897.2); c.4992C>T, p.Thr1664= (NM_001354898.2); c.4983C>T, p.Thr1661= (NM_001354899.2); c.4944C>T, p.Thr1648= (NM_001354900.2); c.4890C>T, p.Thr1630= (NM_001354901.2); and 5 more.
Identifiers: ClinVar variation 486756 (VCV000486756.18), dbSNP rs1554086427, ClinGen allele CA446209552.

ClinVar aggregate classification (germline): Benign/Likely benign. Review status: criteria provided, multiple submitters, no conflicts (2 of 4 stars). 4 submissions from 4 submitters: Benign (1); Likely benign (3). Last evaluated 2024-03-28.

Conditions:
Familial adenomatous polyposis 1 (FAP1). Also called: FAMILIAL ADENOMATOUS POLYPOSIS 1, ATTENUATED; POLYPOSIS, ADENOMATOUS INTESTINAL. Identifiers: MedGen C2713442, MONDO:0021056, OMIM 175100. Disease mechanism: loss of function.
Hereditary cancer-predisposing syndrome. Also called: Tumor predisposition; Hereditary Cancer Syndrome; Hereditary neoplastic syndrome; Neoplastic Syndromes, Hereditary. Identifiers: Orphanet 140162, MedGen C0027672, MeSH D009386, MONDO:0015356.

Allele frequency attached by ClinVar (database versions not stated): TOPMed 0.00001.

Submissions (4):

Myriad Genetics, Inc.
Classification: Benign for Familial adenomatous polyposis 1. Last evaluated: 2024-03-28. Review status: criteria provided, single submitter. Criteria: Myriad Autosomal Dominant, Autosomal Recessive and X-Linked Classification Criteria (2023). Collection method: clinical testing. Allele origin: unknown.
Comment: This variant is considered benign. This variant is a silent/synonymous amino acid change and it is not expected to impact splicing.

Color Diagnostics, LLC DBA Color Health
Classification: Likely benign for Hereditary cancer-predisposing syndrome. Last evaluated: 2022-02-28. Review status: criteria provided, single submitter. Criteria: ACMG Guidelines, 2015. Collection method: clinical testing. Allele origin: germline.

Labcorp Genetics (formerly Invitae), Labcorp
Classification: Likely benign for Familial adenomatous polyposis 1. Last evaluated: 2021-04-09. Review status: criteria provided, single submitter. Criteria: Invitae Variant Classification Sherloc (09022015). Collection method: clinical testing. Allele origin: germline.

Ambry Genetics
Classification: Likely benign for Hereditary cancer-predisposing syndrome. Last evaluated: 2016-08-01. Review status: criteria provided, single submitter. Criteria: Ambry Variant Classification Scheme 2023. Collection method: clinical testing. Allele origin: germline.